The following is an entry in ClinVar:

NM_005219.5(DIAPH1):c.2563A>C (p.Lys855Gln)

Gene: DIAPH1 (diaphanous related formin 1; minus strand). Cytogenetic location: 5q31.3.
Variant type: single nucleotide variant.
Coding change: c.2563A>C on transcript NM_005219.5 (MANE Select); coding-DNA position 2563, A replaced by C.
Protein change: p.Lys855Gln; replaces lysine 855 with glutamine.
Molecular consequence: missense variant.
Genome position (GRCh38, 1-based): chr5:141,534,353, T>G on the plus strand (A>C on the coding strand, the complement: DIAPH1 is on the minus strand). VCF-style: chr5-141534353-T-G. GRCh37 (hg19) VCF-style: chr5-140913920-T-G.
Other names: c.2536A>C, p.Lys846Gln (NM_001079812.3); c.2563A>C, p.Lys855Gln (NM_001314007.2); short protein forms K855Q, K846Q.
Identifiers: ClinVar variation 1407241 (VCV001407241.8), dbSNP rs991588859, ClinGen allele CA128427967.

ClinVar aggregate classification (germline): Uncertain significance (1 of 4 stars; one submission).

Conditions:
Autosomal dominant nonsyndromic hearing loss 1. Also called: KONIGSMARK SYNDROME; DEAFNESS, AUTOSOMAL DOMINANT 1, WITH OR WITHOUT THROMBOCYTOPENIA. Identifiers: Orphanet 90635, MedGen C1852282, MONDO:0007424, OMIM 124900.
Progressive microcephaly-seizures-cortical blindness-developmental delay syndrome. Also called: Seizures, cortical blindness, and microcephaly syndrome. Identifiers: Orphanet 477814, MedGen C5567650, MONDO:0014714, OMIM 616632.

Allele frequency attached by ClinVar (database versions not stated): gnomAD 0.00001; TOPMed 0.00002.
gnomAD v4.1: 2 of 1,613,466 alleles (0.00012%); no homozygotes.

Submission:

Labcorp Genetics (formerly Invitae), Labcorp
Classification: Uncertain significance for Progressive microcephaly-seizures-cortical blindness-developmental delay syndrome; Autosomal dominant nonsyndromic hearing loss 1. Last evaluated: 2022-10-13. Review status: criteria provided, single submitter. Criteria: Invitae Variant Classification Sherloc (09022015). Collection method: clinical testing. Allele origin: germline.
Comment: ClinVar contains an entry for this variant (Variation ID: 1407241). In summary, the available evidence is currently insufficient to determine the role of this variant in disease. Therefore, it has been classified as a Variant of Uncertain Significance. Algorithms developed to predict the effect of missense changes on protein structure and function are either unavailable or do not agree on the potential impact of this missense change (SIFT: "Deleterious"; PolyPhen-2: "Probably Damaging"; Align-GVGD: "Class C0"). This variant has not been reported in the literature in individuals affected with DIAPH1-related conditions. This variant is not present in population databases (gnomAD no frequency). This sequence change replaces lysine, which is basic and polar, with glutamine, which is neutral and polar, at codon 855 of the DIAPH1 protein (p.Lys855Gln).